The following is an entry in ClinVar:

NM_000179.3(MSH6):c.2687A>C (p.Lys896Thr)

Gene: MSH6 (mutS homolog 6; plus strand). Cytogenetic location: 2p16.3.
Variant type: single nucleotide variant.
Coding change: c.2687A>C on transcript NM_000179.3 (MANE Select); coding-DNA position 2687, A replaced by C.
Protein change: p.Lys896Thr; replaces lysine 896 with threonine.
Molecular consequence: missense variant.
Genome position (GRCh38, 1-based): chr2:47,800,670, A>C. VCF-style: chr2-47800670-A-C. GRCh37 (hg19) VCF-style: chr2-48027809-A-C.
Other names: c.2297A>C, p.Lys766Thr (NM_001281492.2); c.1781A>C, p.Lys594Thr (NM_001281493.2, NM_001281494.2, NM_001406811.1 and 6 more transcripts); c.2783A>C, p.Lys928Thr (NM_001406795.1, NM_001406802.1); c.2687A>C, p.Lys896Thr (NM_001406796.1, NM_001406798.1, NM_001406800.1 and 2 more transcripts); c.2390A>C, p.Lys797Thr (NM_001406797.1, NM_001406801.1, NM_001406805.1 and 10 more transcripts); c.2162A>C, p.Lys721Thr (NM_001406799.1, NM_001406806.1, NM_001406807.1); c.2609A>C, p.Lys870Thr (NM_001406804.1); c.2693A>C, p.Lys898Thr (NM_001406813.1); and 2 more; short protein forms K896T, K211T, K870T, K594T, K840T, K898T, K928T, K721T.
Identifiers: ClinVar variation 1794737 (VCV001794737.4), dbSNP rs876658369, ClinGen allele CA346755292.

ClinVar aggregate classification (germline): Uncertain significance. Review status: criteria provided, multiple submitters, no conflicts (2 of 4 stars). 2 submissions from 2 submitters: Uncertain significance (2). Last evaluated 2024-08-02.

Conditions:
Hereditary cancer-predisposing syndrome. Also called: Tumor predisposition; Hereditary Cancer Syndrome; Neoplastic Syndromes, Hereditary; Hereditary neoplastic syndrome. Identifiers: Orphanet 140162, MedGen C0027672, MeSH D009386, MONDO:0015356.

Submissions (2):

Quest Diagnostics Nichols Institute San Juan Capistrano
Classification: Uncertain significance. Last evaluated: 2024-08-02. Review status: criteria provided, single submitter. Criteria: Quest Diagnostics criteria. Collection method: clinical testing. Allele origin: unknown.
Comment: The MSH6 c.2687A>C (p.Lys896Thr) variant has not been reported in individuals with MSH6-related conditions in the published literature. It also has not been reported in large, multi-ethnic general populations (Genome Aggregation Database). Analysis of this variant using bioinformatics tools for the prediction of the effect of amino acid changes on protein structure and function yielded predictions that this variant is benign. Based on the available information, we are unable to determine the clinical significance of this variant.

Ambry Genetics
Classification: Uncertain significance for Hereditary cancer-predisposing syndrome. Last evaluated: 2024-04-03. Review status: criteria provided, single submitter. Criteria: Ambry Variant Classification Scheme 2023. Collection method: clinical testing. Allele origin: germline.
Comment: The p.K896T variant (also known as c.2687A>C), located in coding exon 4 of the MSH6 gene, results from an A to C substitution at nucleotide position 2687. The lysine at codon 896 is replaced by threonine, an amino acid with similar properties. This amino acid position is not well conserved in available vertebrate species. In addition, the in silico prediction for this alteration is inconclusive. Based on the available evidence, the clinical significance of this variant remains unclear.